The following is an entry in ClinVar:

ClinVar aggregate classification (germline): Likely benign. Review status: criteria provided, single submitter (1 of 4 stars). 2 submissions from 2 submitters: Likely benign (1). 1 of the submissions does not count toward it. Last evaluated 2023-06-09.

Conditions:
ZFYVE26-related disorder. Also called: ZFYVE26-related condition.
Spastic paraplegia. Identifiers: MedGen C0037772, HP:0001258.

Allele frequency attached by ClinVar (database versions not stated): TOPMed below 0.00001; gnomAD 0.00001; ESP Exome Variant Server 0.00008.
gnomAD v4.1: 2 of 1,614,052 alleles (0.00012%); highest among the groups gnomAD compares: Admixed American, 0.0017%; no homozygotes.

Submissions (2):

Labcorp Genetics (formerly Invitae), Labcorp
Classification: Likely benign for Spastic paraplegia. Last evaluated: 2023-06-09. Review status: criteria provided, single submitter. Criteria: Invitae Variant Classification Sherloc (09022015). Collection method: clinical testing. Allele origin: germline.

PreventionGenetics, part of Exact Sciences
Classification: Likely benign for ZFYVE26-related condition. Last evaluated: 2022-06-07. Review status: no assertion criteria provided. Collection method: clinical testing. Allele origin: germline. Not counted in ClinVar's aggregate classification.
Comment: This variant is classified as likely benign based on ACMG/AMP sequence variant interpretation guidelines (Richards et al. 2015 PMID: 25741868, with internal and published modifications).

NM_015346.4(ZFYVE26):c.1332G>C (p.Val444=)

Gene: ZFYVE26 (zinc finger FYVE-type containing 26; minus strand). Cytogenetic location: 14q24.1.
Variant type: single nucleotide variant.
Coding change: c.1332G>C on transcript NM_015346.4 (MANE Select); coding-DNA position 1332, G replaced by C.
Protein change: p.Val444=; no amino-acid change (valine 444 retained).
Molecular consequence: synonymous variant.
Genome position (GRCh38, 1-based): chr14:67,804,204, C>G on the plus strand (G>C on the coding strand, the complement: ZFYVE26 is on the minus strand). VCF-style: chr14-67804204-C-G. GRCh37 (hg19) VCF-style: chr14-68270921-C-G.
Other names: c.1332G>C (NM_015346.3).
Identifiers: ClinVar variation 1159883 (VCV001159883.11), dbSNP rs373043055, ClinGen allele CA262872677.